The following is an entry in ClinVar:

ClinVar aggregate classification (germline): Uncertain significance. Review status: criteria provided, multiple submitters, no conflicts (2 of 4 stars). 3 submissions from 3 submitters: Uncertain significance (3). Last evaluated 2023-08-01.

Conditions:
Alstrom syndrome (ALMS). Identifiers: Orphanet 64, MedGen C0268425, MONDO:0008763, OMIM 203800.
ALMS1-related disorder. Also called: ALMS1-related condition.
Cardiovascular phenotype. Identifiers: MedGen CN230736.

Allele frequency attached by ClinVar (database versions not stated): gnomAD exomes below 0.00001; gnomAD 0.00001; TOPMed 0.00001.
gnomAD v4.1: 3 of 1,613,992 alleles (0.00019%); highest among the groups gnomAD compares: Non-Finnish European, 0.00025%; no homozygotes.

Submissions (3):

Ambry Genetics
Classification: Uncertain significance for Cardiovascular phenotype. Last evaluated: 2023-08-01. Review status: criteria provided, single submitter. Criteria: Ambry Variant Classification Scheme 2023. Collection method: clinical testing. Allele origin: germline.
Comment: The p.A1092V variant (also known as c.3275C>T), located in coding exon 8 of the ALMS1 gene, results from a C to T substitution at nucleotide position 3275. The alanine at codon 1092 is replaced by valine, an amino acid with similar properties. This amino acid position is poorly conserved in available vertebrate species. In addition, this alteration is predicted to be tolerated by in silico analysis. Since supporting evidence is limited at this time, the clinical significance of this alteration remains unclear.

PreventionGenetics, part of Exact Sciences
Classification: Uncertain significance for ALMS1-related condition. Last evaluated: 2023-04-28. Review status: criteria provided, single submitter. Criteria: ACMG Guidelines, 2015. Collection method: clinical testing. Allele origin: germline.
Comment: The ALMS1 c.3275C>T variant is predicted to result in the amino acid substitution p.Pro1092Leu. To our knowledge, this variant has not been reported in the literature. This variant is reported in 0.14% of alleles in individuals of Latino descent in gnomAD, which may be too common to be an undocumented primary cause of disease. Although we suspect that this variant may be benign, at this time, the clinical significance of this variant is uncertain due to the absence of conclusive functional and genetic evidence.

Labcorp Genetics (formerly Invitae), Labcorp
Classification: Uncertain significance for Alstrom syndrome. Last evaluated: 2022-01-05. Review status: criteria provided, single submitter. Criteria: Invitae Variant Classification Sherloc (09022015). Collection method: clinical testing. Allele origin: germline.
Comment: This sequence change replaces alanine, which is neutral and non-polar, with valine, which is neutral and non-polar, at codon 1092 of the ALMS1 protein (p.Ala1092Val). This variant is present in population databases (no rsID available, gnomAD 0.0009%). This variant has not been reported in the literature in individuals affected with ALMS1-related conditions. ClinVar contains an entry for this variant (Variation ID: 657198). In summary, the available evidence is currently insufficient to determine the role of this variant in disease. Therefore, it has been classified as a Variant of Uncertain Significance.

NM_001378454.1(ALMS1):c.3272C>T (p.Ala1091Val)

Gene: ALMS1 (ALMS1 centrosome and basal body associated protein; plus strand). Cytogenetic location: 2p13.1.
Variant type: single nucleotide variant.
Coding change: c.3272C>T on transcript NM_001378454.1 (MANE Select); coding-DNA position 3272, C replaced by T.
Protein change: p.Ala1091Val; replaces alanine 1091 with valine.
Molecular consequence: missense variant.
Genome position (GRCh38, 1-based): chr2:73,449,799, C>T. VCF-style: chr2-73449799-C-T. GRCh37 (hg19) VCF-style: chr2-73676926-C-T.
Other names: c.3275C>T, p.Ala1092Val (NM_015120.4); short protein forms A1092V, A1091V.
Identifiers: ClinVar variation 657198 (VCV000657198.5), dbSNP rs1402063104, ClinGen allele CA347274716.